The following is an entry in ClinVar:

ClinVar aggregate classification (germline): Uncertain significance (1 of 4 stars; one submission).

Conditions:
Epidermolysis bullosa simplex 5C, with pyloric atresia (EBS5C). Also called: Epidermolysis bullosa simplex with pyloric atresia; PLEC-Related Epidermolysis Bullosa with Pyloric Atresia; PLEC1-Related Epidermolysis Bullosa with Pyloric Atresia. Identifiers: Orphanet 158684, MedGen C2677349, MONDO:0012807, OMIM 612138.
Epidermolysis bullosa simplex 5B, with muscular dystrophy (EBS5B). Also called: Epidermolysis bullosa simplex with muscular dystrophy; EPIDERMOLYSIS BULLOSA SIMPLEX AND LIMB-GIRDLE MUSCULAR DYSTROPHY. Identifiers: Orphanet 257, MedGen C2931072, MONDO:0009181, OMIM 226670.
Epidermolysis bullosa simplex, Ogna type (EBS5A). Also called: Pidermolysis bullosa simplex 5A, Ogna type; EPIDERMOLYSIS BULLOSA SIMPLEX 5A, OGNA TYPE. Identifiers: Orphanet 79401, MedGen C0432317, MONDO:0007555, OMIM 131950.
Epidermolysis bullosa simplex with nail dystrophy (EBS5D). Identifiers: MedGen C4225309, MONDO:0014661, OMIM 616487.
Autosomal recessive limb-girdle muscular dystrophy type 2Q (LGMDR17). Also called: MUSCULAR DYSTROPHY, LIMB-GIRDLE, AUTOSOMAL RECESSIVE 17. Identifiers: Orphanet 254361, MedGen C3150989, MONDO:0013390, OMIM 613723.

Allele frequency attached by ClinVar (database versions not stated): ExAC below 0.00001; gnomAD exomes 0.00001 and 0.00003; gnomAD 0.00003 and 0.00004; TOPMed 0.00005.
gnomAD v4.1: 9 of 1,541,530 alleles (0.00058%); highest among the groups gnomAD compares: African/African-American, 0.012%; no homozygotes.

Submission:

Labcorp Genetics (formerly Invitae), Labcorp
Classification: Uncertain significance for Autosomal recessive limb-girdle muscular dystrophy type 2Q; Epidermolysis bullosa simplex, Ogna type; Epidermolysis bullosa simplex with nail dystrophy; Epidermolysis bullosa simplex 5C, with pyloric atresia; Epidermolysis bullosa simplex 5B, with muscular dystrophy. Last evaluated: 2026-01-13. Review status: criteria provided, single submitter. Criteria: Invitae Variant Classification Sherloc (09022015). Collection method: clinical testing. Allele origin: germline.
Comment: This sequence change replaces glutamic acid, which is acidic and polar, with lysine, which is basic and polar, at codon 2580 of the PLEC protein (p.Glu2580Lys). This variant is present in population databases (rs782571929, gnomAD 0.04%). This variant has not been reported in the literature in individuals affected with PLEC-related conditions. ClinVar contains an entry for this variant (Variation ID: 655489). Invitae Evidence Modeling of protein sequence and biophysical properties (such as structural, functional, and spatial information, amino acid conservation, physicochemical variation, residue mobility, and thermodynamic stability) indicates that this missense variant is not expected to disrupt PLEC protein function with a negative predictive value of 80%. In summary, the available evidence is currently insufficient to determine the role of this variant in disease. Therefore, it has been classified as a Variant of Uncertain Significance.

NM_201384.3(PLEC):c.7657G>A (p.Glu2553Lys)

Gene: PLEC (plectin; minus strand). Cytogenetic location: 8q24.3.
Variant type: single nucleotide variant.
Coding change: c.7657G>A on transcript NM_201384.3 (MANE Select); coding-DNA position 7657, G replaced by A.
Protein change: p.Glu2553Lys; replaces glutamic acid 2553 with lysine.
Molecular consequence: missense variant.
Genome position (GRCh38, 1-based): chr8:143,922,164, C>T on the plus strand (G>A on the coding strand, the complement: PLEC is on the minus strand). VCF-style: chr8-143922164-C-T. GRCh37 (hg19) VCF-style: chr8-144996332-C-T.
Other names: c.7738G>A, p.Glu2580Lys (NM_000445.5); c.7615G>A, p.Glu2539Lys (NM_201378.4); c.7591G>A, p.Glu2531Lys (NM_201379.3); c.8068G>A, p.Glu2690Lys (NM_201380.4); c.7561G>A, p.Glu2521Lys (NM_201381.3); c.7657G>A, p.Glu2553Lys (NM_201382.4); c.7669G>A, p.Glu2557Lys (NM_201383.3); short protein forms E2539K, E2521K, E2531K, E2553K, E2557K, E2580K, E2690K.
Identifiers: ClinVar variation 655489 (VCV000655489.6), dbSNP rs782571929, ClinGen allele CA4925554.